The following is an entry in ClinVar:

ClinVar aggregate classification (germline): Conflicting classifications of pathogenicity. Review status: criteria provided, conflicting classifications (1 of 4 stars). 2 submissions from 2 submitters: Likely pathogenic (1); Uncertain significance (1). Last evaluated 2025-01-23.

Conditions:
Nephronophthisis 9 (NPHP9). Identifiers: Orphanet 655, MedGen C3151188, MONDO:0013444, OMIM 613824.

Allele frequency attached by ClinVar (database versions not stated): gnomAD 0.00001; ExAC 0.00002; gnomAD exomes 0.00002; TOPMed 0.00002; ESP Exome Variant Server 0.00008.

Submissions (2):

GeneDx
Classification: Likely pathogenic. Last evaluated: 2025-01-23. Review status: criteria provided, single submitter. Criteria: GeneDx Variant Classification Process June 2021. Collection method: clinical testing. Allele origin: germline. Affected: yes.
Comment: In silico analysis supports that this missense variant has a deleterious effect on protein structure/function; Not observed at significant frequency in large population cohorts (gnomAD); Has not been previously published as pathogenic or benign to our knowledge

Labcorp Genetics (formerly Invitae), Labcorp
Classification: Uncertain significance for Nephronophthisis 9. Last evaluated: 2019-10-30. Review status: criteria provided, single submitter. Criteria: Invitae Variant Classification Sherloc (09022015). Collection method: clinical testing. Allele origin: germline.
Comment: This sequence change replaces arginine with glutamine at codon 246 of the NEK8 protein (p.Arg246Gln). The arginine residue is highly conserved and there is a small physicochemical difference between arginine and glutamine. This variant is present in population databases (rs368802852, ExAC 0.006%). In summary, the available evidence is currently insufficient to determine the role of this variant in disease. Therefore, it has been classified as a Variant of Uncertain Significance. Algorithms developed to predict the effect of missense changes on protein structure and function are either unavailable or do not agree on the potential impact of this missense change (SIFT: "Deleterious"; PolyPhen-2: "Probably Damaging"; Align-GVGD: "Class C0"). This variant has not been reported in the literature in individuals with NEK8-related conditions.

NM_178170.3(NEK8):c.737G>A (p.Arg246Gln)

Gene: NEK8 (NIMA related kinase 8; plus strand). Cytogenetic location: 17q11.2.
Variant type: single nucleotide variant.
Coding change: c.737G>A on transcript NM_178170.3 (MANE Select); coding-DNA position 737, G replaced by A.
Protein change: p.Arg246Gln; replaces arginine 246 with glutamine.
Molecular consequence: missense variant.
Genome position (GRCh38, 1-based): chr17:28,737,424, G>A. VCF-style: chr17-28737424-G-A. GRCh37 (hg19) VCF-style: chr17-27064442-G-A.
Other names: short protein forms R246Q.
Identifiers: ClinVar variation 969449 (VCV000969449.8), dbSNP rs368802852, ClinGen allele CA8467153.
Genomic context (GRCh38, chr17:28,737,424, plus strand): 5'-GGTACAGCCCTGAGCTTCGCCAGCTGGTCCTGAGTCTACTCAGCCTGGAGCCTGCCCAGC[G>A]GCCACCACTCAGCCACATCATGGCACAGCCCCTCTGCATCCGTGCCCTCCTCAACCTCCA-3'
Protein context (NP_835464.1, residues 236-256): LSLLSLEPAQ[Arg246Gln]PPLSHIMAQP